The following is an entry in ClinVar:

ClinVar aggregate classification (germline): Uncertain significance (1 of 4 stars; one submission).

Conditions:
Periventricular nodular heterotopia 6 (PVNH6). Identifiers: Orphanet 2149, MedGen C3809872, MONDO:0014240, OMIM 615544.

Submission:

Dasa
Classification: Uncertain significance for Periventricular nodular heterotopia 6. Last evaluated: 2025-12-08. Review status: criteria provided, single submitter. Criteria: DASA Assertion Criteria. Collection method: clinical testing. Allele origin: germline.
Comment: NM_018341.3(ERMARD):c.1610G>C (p.Arg537Pro) is a missense variant that results in the substitution of arginine with proline. This variant is absent from population databases. The currently available literature and clinical evidence are not sufficient to establish a definitive association between this variant and the reported condition. Therefore, this variant is classified as a variant of uncertain significance.

NM_018341.3(ERMARD):c.1610G>C (p.Arg537Pro)

Gene: ERMARD (ER membrane associated RNA degradation; plus strand). Cytogenetic location: 6q27.
Variant type: single nucleotide variant.
Coding change: c.1610G>C on transcript NM_018341.3 (MANE Select); coding-DNA position 1610, G replaced by C.
Protein change: p.Arg537Pro; replaces arginine 537 with proline.
Molecular consequence: missense variant. On other transcripts: intron variant (2).
Genome position (GRCh38, 1-based): chr6:169,776,544, G>C. VCF-style: chr6-169776544-G-C. GRCh37 (hg19) VCF-style: chr6-170176640-G-C.
Other names: c.1232G>C, p.Arg411Pro (NM_001278532.2); c.1202G>C, p.Arg401Pro (NM_001410957.1); c.1598+133G>C (NM_001278531.2); c.1520+479G>C (NM_001278533.2); short protein forms R401P, R411P, R537P.
Identifiers: ClinVar variation 4881141 (VCV004881141.2).